The following is an entry in ClinVar:

NM_177972.3(TUB):c.1512G>A (p.Ala504=)

Genes: RIC3 (RIC3 acetylcholine receptor chaperone; minus strand), TUB (TUB bipartite transcription factor; plus strand). Cytogenetic location: 11p15.4.
Variant type: single nucleotide variant.
Coding change: c.1512G>A on transcript NM_177972.3 (MANE Select); coding-DNA position 1512, G replaced by A.
Protein change: p.Ala504=; no amino-acid change (alanine 504 retained).
Molecular consequence: synonymous variant.
Genome position (GRCh38, 1-based): chr11:8,101,610, G>A. VCF-style: chr11-8101610-G-A. GRCh37 (hg19) VCF-style: chr11-8123157-G-A.
Other names: c.1677G>A, p.Ala559= (NM_003320.5).
Identifiers: ClinVar variation 789790 (VCV000789790.13), dbSNP rs186542220, ClinGen allele CA5871534.
Genomic context (GRCh38, chr11:8,101,610, plus strand): 5'-CCCGCTGTGTGCACTGCAGGCCTTTGCCATTGCCCTGTCCAGCTTCGACAGCAAGCTGGC[G>A]TGCGAGTAGAGGCCTCTTCGTGCCCTTTGGGGTTGCCCAGCCTGGAGCGGAGCTTGCCTG-3'
Protein context (NP_813977.1, residues 494-506): IALSSFDSKL[Ala504=]CE

ClinVar aggregate classification (germline): Likely benign. Review status: criteria provided, multiple submitters, no conflicts (2 of 4 stars). 3 submissions from 3 submitters: Likely benign (2). 1 of the submissions does not count toward it. Last evaluated 2025-08-19.

Conditions:
TUB-related disorder. Also called: TUB-related condition.

Allele frequency attached by ClinVar (database versions not stated): ESP Exome Variant Server 0.00015; gnomAD 0.00016 and 0.00021; TOPMed 0.00018; gnomAD exomes 0.00022; ExAC 0.00023; 1000 Genomes Project 0.00160; 1000 Genomes Project 30x 0.00172.
gnomAD v4.1: 207 of 1,614,228 alleles (0.013%); highest among the groups gnomAD compares: East Asian, 0.071%; no homozygotes.

Submissions (3):

Labcorp Genetics (formerly Invitae), Labcorp
Classification: Likely benign. Last evaluated: 2025-08-19. Review status: criteria provided, single submitter. Criteria: Invitae Variant Classification Sherloc (09022015). Collection method: clinical testing. Allele origin: germline.

Blueprint Genetics
Classification: Likely benign. Last evaluated: 2024-09-06. Review status: criteria provided, single submitter. Criteria: ACMG Guidelines, 2015. Collection method: clinical testing. Allele origin: germline.

PreventionGenetics, part of Exact Sciences
Classification: Likely benign for TUB-related condition. Last evaluated: 2021-06-21. Review status: no assertion criteria provided. Collection method: clinical testing. Allele origin: germline. Not counted in ClinVar's aggregate classification.
Comment: This variant is classified as likely benign based on ACMG/AMP sequence variant interpretation guidelines (Richards et al. 2015 PMID: 25741868, with internal and published modifications).